The following is an entry in ClinVar:

NM_000256.3(MYBPC3):c.2840A>G (p.His947Arg)

Gene: MYBPC3 (myosin binding protein C3; minus strand). Cytogenetic location: 11p11.2.
Variant type: single nucleotide variant.
Coding change: c.2840A>G on transcript NM_000256.3 (MANE Select); coding-DNA position 2840, A replaced by G.
Protein change: p.His947Arg; replaces histidine 947 with arginine.
Molecular consequence: missense variant.
Genome position (GRCh38, 1-based): chr11:47,335,107, T>C on the plus strand (A>G on the coding strand, the complement: MYBPC3 is on the minus strand). VCF-style: chr11-47335107-T-C. GRCh37 (hg19) VCF-style: chr11-47356658-T-C.
Other names: short protein forms H947R.
Identifiers: ClinVar variation 2773716 (VCV002773716.3), dbSNP rs754525416, ClinGen allele CA078979.

ClinVar aggregate classification (germline): Uncertain significance. Review status: criteria provided, multiple submitters, no conflicts (2 of 4 stars). 2 submissions from 2 submitters: Uncertain significance (2). Last evaluated 2025-04-26.

Conditions:
Hypertrophic cardiomyopathy. Also called: HYPERTROPHIC MYOCARDIOPATHY. Identifiers: Orphanet 217569, MedGen C0007194, MeSH D002312, MONDO:0005045, HP:0001639.
Cardiomyopathy (CMYO). Also called: Cardiomyopathies. Identifiers: Orphanet 167848, MedGen C0878544, MONDO:0004994, HP:0001638. Inheritance: Various modes of inheritance.

Allele frequency attached by ClinVar (database versions not stated): gnomAD exomes below 0.00001; TOPMed below 0.00001; ExAC 0.00001; gnomAD 0.00001.
gnomAD v4.1: 2 of 1,611,636 alleles (0.00012%); highest among the groups gnomAD compares: Admixed American, 0.0033%; no homozygotes.

Submissions (2):

Labcorp Genetics (formerly Invitae), Labcorp
Classification: Uncertain significance for Hypertrophic cardiomyopathy. Last evaluated: 2025-04-26. Review status: criteria provided, single submitter. Criteria: Invitae Variant Classification Sherloc (09022015). Collection method: clinical testing. Allele origin: germline.
Comment: This sequence change replaces histidine, which is basic and polar, with arginine, which is basic and polar, at codon 947 of the MYBPC3 protein (p.His947Arg). This variant is present in population databases (rs754525416, gnomAD 0.003%). This variant has not been reported in the literature in individuals affected with MYBPC3-related conditions. ClinVar contains an entry for this variant (Variation ID: 2773716). An algorithm developed to predict the effect of missense changes on protein structure and function (PolyPhen-2) suggests that this variant is likely to be disruptive. In summary, the available evidence is currently insufficient to determine the role of this variant in disease. Therefore, it has been classified as a Variant of Uncertain Significance.

Color Diagnostics, LLC DBA Color Health
Classification: Uncertain significance for Cardiomyopathy. Last evaluated: 2021-08-23. Review status: criteria provided, single submitter. Criteria: ACMG Guidelines, 2015. Collection method: clinical testing. Allele origin: germline.
Comment: This missense variant replaces histidine with arginine at codon 947 of the MYBPC3 protein. Computational prediction suggests that this variant may not impact protein structure and function (internally defined REVEL score threshold <= 0.5, PMID: 27666373). To our knowledge, functional studies have not been reported for this variant. This variant has not been reported in individuals affected with cardiovascular disorders in the literature. This variant has been identified in 1/246082 chromosomes in the general population by the Genome Aggregation Database (gnomAD). The available evidence is insufficient to determine the role of this variant in disease conclusively. Therefore, this variant is classified as a Variant of Uncertain Significance.